The following is an entry in ClinVar:

NM_006208.3(ENPP1):c.136G>T (p.Ala46Ser)

Gene: ENPP1 (ectonucleotide pyrophosphatase/phosphodiesterase 1; plus strand). Cytogenetic location: 6q23.2.
Variant type: single nucleotide variant.
Coding change: c.136G>T on transcript NM_006208.3 (MANE Select); coding-DNA position 136, G replaced by T.
Protein change: p.Ala46Ser; replaces alanine 46 with serine.
Molecular consequence: missense variant.
Genome position (GRCh38, 1-based): chr6:131,808,171, G>T. VCF-style: chr6-131808171-G-T. GRCh37 (hg19) VCF-style: chr6-132129311-G-T.
Other names: short protein forms A46S.
Identifiers: ClinVar variation 2186382 (VCV002186382.4), dbSNP rs1377766470, ClinGen allele CA365661933.

ClinVar aggregate classification (germline): Uncertain significance. Review status: criteria provided, multiple submitters, no conflicts (2 of 4 stars). 2 submissions from 2 submitters: Uncertain significance (2). Last evaluated 2026-01-20.

Conditions:
Type 2 diabetes mellitus. Also called: Type II diabetes mellitus. Identifiers: MedGen C0011860, MeSH D003924, MONDO:0005148, OMIM 125853, HP:0005978.

Allele frequency attached by ClinVar (database versions not stated): gnomAD exomes below 0.00001; TOPMed 0.00001.
gnomAD v4.1: 1 of 1,467,414 alleles (0.000068%); highest among the groups gnomAD compares: East Asian, 0.003%; no homozygotes.

Submissions (2):

Labcorp Genetics (formerly Invitae), Labcorp
Classification: Uncertain significance. Last evaluated: 2026-01-20. Review status: criteria provided, single submitter. Criteria: Invitae Variant Classification Sherloc (09022015). Collection method: clinical testing. Allele origin: germline.
Comment: This sequence change replaces alanine, which is neutral and non-polar, with serine, which is neutral and polar, at codon 46 of the ENPP1 protein (p.Ala46Ser). This variant is not present in population databases (gnomAD no frequency). This variant has not been reported in the literature in individuals affected with ENPP1-related conditions. ClinVar contains an entry for this variant (Variation ID: 2186382). An algorithm developed to predict the effect of missense changes on protein structure and function (PolyPhen-2) suggests that this variant is likely to be disruptive. In summary, the available evidence is currently insufficient to determine the role of this variant in disease. Therefore, it has been classified as a Variant of Uncertain Significance.

Genesolutions, Medical Genetics Institutes, Ho Chi Minh City, Vietnam
Classification: Uncertain significance for Type 2 diabetes mellitus. Last evaluated: 2025-09-24. Review status: criteria provided, single submitter. Criteria: ACMG Guidelines, 2015. Collection method: clinical testing. Allele origin: germline. Affected: yes.